The following is an entry in ClinVar:

NM_001348716.2(KDM6B):c.2719G>A (p.Ala907Thr)

Gene: KDM6B (lysine demethylase 6B; plus strand). Cytogenetic location: 17p13.1.
Variant type: single nucleotide variant.
Coding change: c.2719G>A on transcript NM_001348716.2 (MANE Select); coding-DNA position 2719, G replaced by A.
Protein change: p.Ala907Thr; replaces alanine 907 with threonine.
Molecular consequence: missense variant.
Genome position (GRCh38, 1-based): chr17:7,849,007, G>A. VCF-style: chr17-7849007-G-A. GRCh37 (hg19) VCF-style: chr17-7752325-G-A.
Other names: c.2719G>A, p.Ala907Thr (NM_001080424.2); short protein forms A907T.
Identifiers: ClinVar variation 3392920 (VCV003392920.1).

ClinVar aggregate classification (germline): Uncertain significance (1 of 4 stars; one submission).

Submission:

GeneDx
Classification: Uncertain significance. Last evaluated: 2024-06-27. Review status: criteria provided, single submitter. Criteria: GeneDx Variant Classification Process June 2021. Collection method: clinical testing. Allele origin: germline. Affected: yes.
Comment: Not observed at significant frequency in large population cohorts (gnomAD); In silico analysis indicates that this missense variant does not alter protein structure/function; Has not been previously published as pathogenic or benign to our knowledge